The following is an entry in ClinVar:

ClinVar aggregate classification (germline): Benign/Likely benign. Review status: criteria provided, multiple submitters, no conflicts (2 of 4 stars). 5 submissions from 5 submitters: Benign (2); Likely benign (1). 2 of the submissions do not count toward it. Last evaluated 2026-03-01.

Conditions:
KMT2C-related disorder. Also called: KMT2C-related condition; KMT2C-related disorders.

Allele frequency attached by ClinVar (database versions not stated): gnomAD exomes 0.00057; ExAC 0.00068; ESP Exome Variant Server 0.00146; 1000 Genomes Project 0.00180; TOPMed 0.00228; gnomAD 0.00245; 1000 Genomes Project 30x 0.00265.
gnomAD v4.1: 694 of 1,614,232 alleles (0.043%); highest among the groups gnomAD compares: African/African-American, 0.73%; 4 homozygotes.

Submissions (5):

CeGaT Center for Human Genetics Tuebingen
Classification: Likely benign. Last evaluated: 2026-03-01. Review status: criteria provided, single submitter. Criteria: CeGaT Center For Human Genetics Tuebingen Variant Classification Criteria Version 2. Collection method: clinical testing. Allele origin: germline. Affected: yes. Observed: 4 variant alleles.
Comment: KMT2C: BP4, BS1

Labcorp Genetics (formerly Invitae), Labcorp
Classification: Benign. Last evaluated: 2025-12-01. Review status: criteria provided, single submitter. Criteria: Invitae Variant Classification Sherloc (09022015). Collection method: clinical testing. Allele origin: germline.

Breakthrough Genomics
Classification: Benign. Review status: criteria provided, single submitter. Criteria: ACMG Guidelines, 2015. Collection method: not provided. Allele origin: germline. Inheritance: Autosomal dominant inheritance. Affected: yes.

PreventionGenetics, part of Exact Sciences
Classification: Benign for KMT2C-related condition. Last evaluated: 2019-07-10. Review status: no assertion criteria provided. Collection method: clinical testing. Allele origin: germline. Not counted in ClinVar's aggregate classification.
Comment: This variant is classified as benign based on ACMG/AMP sequence variant interpretation guidelines (Richards et al. 2015 PMID: 25741868, with internal and published modifications).

ITMI
No classification provided. Condition: AllHighlyPenetrant. Last evaluated: 2013-09-19. Review status: no classification provided. Collection method: reference population. Allele origin: germline. Not counted in ClinVar's aggregate classification.
Comment: Please see associated publication for description of ethnicities

Literature cited by the submitters: PubMed 24728327 (cited by ITMI).

NM_170606.3(KMT2C):c.11167G>C (p.Ala3723Pro)

Gene: KMT2C (lysine methyltransferase 2C; minus strand). Cytogenetic location: 7q36.1.
Variant type: single nucleotide variant.
Coding change: c.11167G>C on transcript NM_170606.3 (MANE Select); coding-DNA position 11167, G replaced by C.
Protein change: p.Ala3723Pro; replaces alanine 3723 with proline.
Molecular consequence: missense variant.
Genome position (GRCh38, 1-based): chr7:152,162,410, C>G on the plus strand (G>C on the coding strand, the complement: KMT2C is on the minus strand). VCF-style: chr7-152162410-C-G. GRCh37 (hg19) VCF-style: chr7-151859495-C-G.
Other names: short protein forms A3723P.
Identifiers: ClinVar variation 134799 (VCV000134799.36), dbSNP rs115580901, ClinGen allele CA160767.